The following is an entry in ClinVar:

NM_002609.4(PDGFRB):c.1998C>G (p.Asn666Lys)

Gene: PDGFRB (platelet derived growth factor receptor beta; minus strand). Cytogenetic location: 5q32.
Variant type: single nucleotide variant.
Coding change: c.1998C>G on transcript NM_002609.4 (MANE Select); coding-DNA position 1998, C replaced by G.
Protein change: p.Asn666Lys; replaces asparagine 666 with lysine.
Molecular consequence: missense variant.
Genome position (GRCh38, 1-based): chr5:150,124,275, G>C on the plus strand (C>G on the coding strand, the complement: PDGFRB is on the minus strand). VCF-style: chr5-150124275-G-C. GRCh37 (hg19) VCF-style: chr5-149503838-G-C.
Other names: c.1806C>G, p.Asn602Lys (NM_001355016.2); c.1515C>G, p.Asn505Lys (NM_001355017.2); short protein forms N666K, N602K, N505K.
Identifiers: ClinVar variation 375556 (VCV000375556.3), dbSNP rs864309711, ClinGen allele CA16609702.

ClinVar aggregate classification (germline): Pathogenic (1 of 4 stars; one submission).

Conditions:
Infantile myofibromatosis (IMF). Also called: Congenital generalized fibromatosis. Identifiers: Orphanet 2591, MedGen C0432284, MONDO:0016824.

Submission:

Demoulin lab, University of Louvain
Classification: Pathogenic for Infantile myofibromatosis. Last evaluated: 2016-12-01. Review status: criteria provided, single submitter. Criteria: Submitter's publication. Collection method: research, in vitro. Allele origin: somatic, not applicable. Inheritance: Somatic mutation. Affected: yes. Observed: 1 variant allele, 1 heterozygote.
Comment: This mutation was found in three patients with myofibromatosis. It strongly activates PDGFRB signaling in cell culture (gain of function). We sequenced PDGFRB in myofibromatosis cases using the Ion Torrent technology. All variants were confirmed by an alternative method (allele specific PCR or Sanger sequencing). Mutants were functionally characterized in experiments based on cell transfection.

Literature cited by the submitters: PubMed 28334876.